The following is an entry in ClinVar:

ClinVar aggregate classification (germline): Uncertain significance (1 of 4 stars; one submission).

gnomAD v4.1: 6 of 1,613,968 alleles (0.00037%); highest among the groups gnomAD compares: African/African-American, 0.008%; no homozygotes.

Submission:

Labcorp Genetics (formerly Invitae), Labcorp
Classification: Uncertain significance. Last evaluated: 2024-03-23. Review status: criteria provided, single submitter. Criteria: Invitae Variant Classification Sherloc (09022015). Collection method: clinical testing. Allele origin: germline.
Comment: This sequence change replaces glutamic acid, which is acidic and polar, with aspartic acid, which is acidic and polar, at codon 409 of the KIF22 protein (p.Glu409Asp). This variant is present in population databases (no rsID available, gnomAD 0.007%). This variant has not been reported in the literature in individuals affected with KIF22-related conditions. Advanced modeling of protein sequence and biophysical properties (such as structural, functional, and spatial information, amino acid conservation, physicochemical variation, residue mobility, and thermodynamic stability) performed at Invitae indicates that this missense variant is not expected to disrupt KIF22 protein function with a negative predictive value of 80%. In summary, the available evidence is currently insufficient to determine the role of this variant in disease. Therefore, it has been classified as a Variant of Uncertain Significance.

NM_007317.3(KIF22):c.1227G>T (p.Glu409Asp)

Gene: KIF22 (kinesin family member 22; plus strand). Cytogenetic location: 16p11.2.
Variant type: single nucleotide variant.
Coding change: c.1227G>T on transcript NM_007317.3 (MANE Select); coding-DNA position 1227, G replaced by T.
Protein change: p.Glu409Asp; replaces glutamic acid 409 with aspartic acid.
Molecular consequence: missense variant.
Genome position (GRCh38, 1-based): chr16:29,799,995, G>T. VCF-style: chr16-29799995-G-T. GRCh37 (hg19) VCF-style: chr16-29811316-G-T.
Other names: c.1023G>T, p.Glu341Asp (NM_001256269.2, NM_001256270.1); short protein forms E341D, E409D.
Identifiers: ClinVar variation 3628986 (VCV003628986.2).